The following is an entry in ClinVar:

NM_001211.6(BUB1B):c.2132A>G (p.Asn711Ser)

Gene: BUB1B (BUB1 mitotic checkpoint serine/threonine kinase B; plus strand). Cytogenetic location: 15q15.1.
Variant type: single nucleotide variant.
Coding change: c.2132A>G on transcript NM_001211.6 (MANE Select); coding-DNA position 2132, A replaced by G.
Protein change: p.Asn711Ser; replaces asparagine 711 with serine.
Molecular consequence: missense variant.
Genome position (GRCh38, 1-based): chr15:40,208,759, A>G. VCF-style: chr15-40208759-A-G. GRCh37 (hg19) VCF-style: chr15-40500960-A-G.
Other names: short protein forms N711S.
Identifiers: ClinVar variation 655443 (VCV000655443.12), dbSNP rs1416579359, ClinGen allele CA7475953.
Genomic context (GRCh38, chr15:40,208,759, plus strand): 5'-CGGTTGCAAGCACCTCCTCCATCAAATGTCTTCAAATTCCTGAGAAACTAGAACTTACTA[A>G]TGAGACTTCAGGTAGGATATACATACCACTATATCCATGCCTAGTGAACACTTGTTTATC-3'
Protein context (NP_001202.5, residues 701-721): LQIPEKLELT[Asn711Ser]ETSENPTQSP

ClinVar aggregate classification (germline): Uncertain significance. Review status: criteria provided, multiple submitters, no conflicts (2 of 4 stars). 2 submissions from 2 submitters: Uncertain significance (2). Last evaluated 2024-06-03.

Conditions:
Inborn genetic diseases. Identifiers: MedGen C0950123, MeSH D030342.
Mosaic variegated aneuploidy syndrome 1 (MVA1). Also called: Warburton-Anyane-Yeboa syndrome. Identifiers: Orphanet 1052, MedGen C1850343, MONDO:0009759, OMIM 257300.

Allele frequency attached by ClinVar (database versions not stated): TOPMed below 0.00001; ExAC 0.00001; gnomAD 0.00001; gnomAD exomes 0.00001.
gnomAD v4.1: 13 of 1,612,362 alleles (0.00081%); highest among the groups gnomAD compares: Non-Finnish European, 0.00093%; no homozygotes.

Submissions (2):

Labcorp Genetics (formerly Invitae), Labcorp
Classification: Uncertain significance for Mosaic variegated aneuploidy syndrome 1. Last evaluated: 2024-06-03. Review status: criteria provided, single submitter. Criteria: Invitae Variant Classification Sherloc (09022015). Collection method: clinical testing. Allele origin: germline.
Comment: This sequence change replaces asparagine, which is neutral and polar, with serine, which is neutral and polar, at codon 711 of the BUB1B protein (p.Asn711Ser). This variant is present in population databases (no rsID available, gnomAD 0.0009%). This variant has not been reported in the literature in individuals affected with BUB1B-related conditions. ClinVar contains an entry for this variant (Variation ID: 655443). Algorithms developed to predict the effect of missense changes on protein structure and function output the following: SIFT: "Not Available"; PolyPhen-2: "Benign"; Align-GVGD: "Not Available". The serine amino acid residue is found in multiple mammalian species, which suggests that this missense change does not adversely affect protein function. In summary, the available evidence is currently insufficient to determine the role of this variant in disease. Therefore, it has been classified as a Variant of Uncertain Significance.

Ambry Genetics
Classification: Uncertain significance for Inborn genetic diseases. Last evaluated: 2022-12-21. Review status: criteria provided, single submitter. Criteria: Ambry Variant Classification Scheme 2023. Collection method: clinical testing. Allele origin: germline.
Comment: The p.N711S variant (also known as c.2132A>G), located in coding exon 16 of the BUB1B gene, results from an A to G substitution at nucleotide position 2132. The asparagine at codon 711 is replaced by serine, an amino acid with highly similar properties. This amino acid position is conserved. In addition, this alteration is predicted to be tolerated by in silico analysis. Since supporting evidence is limited at this time, the clinical significance of this alteration remains unclear.